The following is an entry in ClinVar:

ClinVar aggregate classification (germline): Uncertain significance (1 of 4 stars; one submission).

Conditions:
Glanzmann thrombasthenia. Also called: BLEEDING DISORDER, PLATELET-TYPE, 2; THROMBASTHENIA OF GLANZMANN AND NAEGELI; PLATELET GLYCOPROTEIN IIb-IIIa DEFICIENCY; Glanzmann's thrombasthenia; Thrombasthenia. Identifiers: Orphanet 849, MedGen C0040015, MONDO:0100326.

Allele frequency attached by ClinVar (database versions not stated): gnomAD exomes below 0.00001.

Submission:

Labcorp Genetics (formerly Invitae), Labcorp
Classification: Uncertain significance for Glanzmann thrombasthenia. Last evaluated: 2023-10-11. Review status: criteria provided, single submitter. Criteria: Invitae Variant Classification Sherloc (09022015). Collection method: clinical testing. Allele origin: germline.
Comment: This sequence change replaces glutamic acid, which is acidic and polar, with aspartic acid, which is acidic and polar, at codon 148 of the ITGA2B protein (p.Glu148Asp). This variant is not present in population databases (gnomAD no frequency). This variant has not been reported in the literature in individuals affected with ITGA2B-related conditions. Algorithms developed to predict the effect of missense changes on protein structure and function output the following: SIFT: "Not Available"; PolyPhen-2: "Benign"; Align-GVGD: "Not Available". The aspartic acid amino acid residue is found in multiple mammalian species, which suggests that this missense change does not adversely affect protein function. In summary, the available evidence is currently insufficient to determine the role of this variant in disease. Therefore, it has been classified as a Variant of Uncertain Significance.

NM_000419.5(ITGA2B):c.444A>C (p.Glu148Asp)

Gene: ITGA2B (integrin subunit alpha 2b; minus strand). Cytogenetic location: 17q21.31.
Variant type: single nucleotide variant.
Coding change: c.444A>C on transcript NM_000419.5 (MANE Select); coding-DNA position 444, A replaced by C.
Protein change: p.Glu148Asp; replaces glutamic acid 148 with aspartic acid.
Molecular consequence: missense variant.
Genome position (GRCh38, 1-based): chr17:44,385,681, T>G on the plus strand (A>C on the coding strand, the complement: ITGA2B is on the minus strand). VCF-style: chr17-44385681-T-G. GRCh37 (hg19) VCF-style: chr17-42463049-T-G.
Other names: short protein forms E148D.
Identifiers: ClinVar variation 2964011 (VCV002964011.3), dbSNP rs2048641862, ClinGen allele CA399805973.